The following is an entry in ClinVar:

ClinVar aggregate classification (germline): Uncertain significance (1 of 4 stars; one submission).

gnomAD v4.1: 1 of 1,612,268 alleles (0.000062%); highest among the groups gnomAD compares: Non-Finnish European, 0.000085%; no homozygotes.

Submission:

Labcorp Genetics (formerly Invitae), Labcorp
Classification: Uncertain significance. Last evaluated: 2024-09-18. Review status: criteria provided, single submitter. Criteria: Invitae Variant Classification Sherloc (09022015). Collection method: clinical testing. Allele origin: germline.
Comment: This sequence change replaces leucine, which is neutral and non-polar, with phenylalanine, which is neutral and non-polar, at codon 252 of the POLG2 protein (p.Leu252Phe). This variant is not present in population databases (gnomAD no frequency). This variant has not been reported in the literature in individuals affected with POLG2-related conditions. An algorithm developed to predict the effect of missense changes on protein structure and function outputs the following: PolyPhen-2: "Benign". The phenylalanine amino acid residue is found in multiple mammalian species, which suggests that this missense change does not adversely affect protein function. In summary, the available evidence is currently insufficient to determine the role of this variant in disease. Therefore, it has been classified as a Variant of Uncertain Significance.

NM_007215.4(POLG2):c.754C>T (p.Leu252Phe)

Genes: MILR1 (mast cell immunoglobulin like receptor 1; plus strand), POLG2 (DNA polymerase gamma 2, accessory subunit; minus strand). Cytogenetic location: 17q23.3.
Variant type: single nucleotide variant.
Coding change: c.754C>T on transcript NM_007215.4 (MANE Select); coding-DNA position 754, C replaced by T.
Protein change: p.Leu252Phe; replaces leucine 252 with phenylalanine.
Molecular consequence: missense variant.
Genome position (GRCh38, 1-based): chr17:64,492,708, G>A on the plus strand (C>T on the coding strand, the complement: POLG2 is on the minus strand). VCF-style: chr17-64492708-G-A. GRCh37 (hg19) VCF-style: chr17-62488825-G-A.
Other names: short protein forms L252F.
Identifiers: ClinVar variation 3718008 (VCV003718008.2).